The following is an entry in ClinVar:

ClinVar aggregate classification (germline): Pathogenic (1 of 4 stars; one submission).

Conditions:
Familial adenomatous polyposis 1 (FAP1). Also called: FAMILIAL ADENOMATOUS POLYPOSIS 1, ATTENUATED; POLYPOSIS, ADENOMATOUS INTESTINAL. Identifiers: MedGen C2713442, MONDO:0021056, OMIM 175100. Disease mechanism: loss of function.

Submission:

Myriad Genetics, Inc.
Classification: Pathogenic for Familial adenomatous polyposis 1. Last evaluated: 2023-05-03. Review status: criteria provided, single submitter. Criteria: Myriad Autosomal Dominant, Autosomal Recessive and X-Linked Classification Criteria (2023). Collection method: clinical testing. Allele origin: unknown.
Comment: This variant is considered pathogenic. This variant creates a frameshift predicted to result in premature protein truncation.

NM_000038.6(APC):c.2079dup (p.Asp694fs)

Gene: APC (APC regulator of Wnt signaling pathway; plus strand). Cytogenetic location: 5q22.2.
Variant type: Duplication.
Coding change: c.2079dup on transcript NM_000038.6 (MANE Select); coding-DNA position 2079, one base duplicated (A; older notation c.2079dupA).
Protein change: p.Asp694fs; shifts the reading frame from aspartic acid 694.
Molecular consequence: frameshift variant. On other transcripts: non-coding transcript variant (2).
Genome position (GRCh38, 1-based): chr5:112,837,673, A duplicated; the last of 3 consecutive A bases (chr5:112,837,671-112,837,673); duplicating any one gives the same sequence. VCF-style (leftmost placement, unchanged base first): chr5-112837670-T-TA. GRCh37 (hg19) VCF-style: chr5-112173367-T-TA.
Other names: c.2079dup, p.Asp694fs (NM_001127510.3, NM_001354895.2, NM_001407450.1); c.2025dup, p.Asp676fs (NM_001127511.3); c.2133dup, p.Asp712fs (NM_001354896.2, NM_001407447.1, NM_001407448.1 and 1 more transcripts); c.2109dup, p.Asp704fs (NM_001354897.2); c.2004dup, p.Asp669fs (NM_001354898.2); c.1995dup, p.Asp666fs (NM_001354899.2); c.1956dup, p.Asp653fs (NM_001354900.2); c.1902dup, p.Asp635fs (NM_001354901.2, NM_001407453.1); and 11 more; short protein forms D310fs, D411fs, D534fs, D565fs, D568fs, D593fs, D603fs, D611fs.
Identifiers: ClinVar variation 2584094 (VCV002584094.1), dbSNP rs2533395260, ClinGen allele CA2582341420.